The following is an entry in ClinVar:

NM_002691.4(POLD1):c.2564+14C>T

Gene: POLD1 (DNA polymerase delta 1, catalytic subunit; plus strand). Cytogenetic location: 19q13.33.
Variant type: single nucleotide variant.
Coding change: c.2564+14C>T on transcript NM_002691.4 (MANE Select); 14 bases into the intron after coding-DNA position 2564, C replaced by T.
Molecular consequence: intron variant.
Genome position (GRCh38, 1-based): chr19:50,415,004, C>T. VCF-style: chr19-50415004-C-T. GRCh37 (hg19) VCF-style: chr19-50918261-C-T.
Other names: c.2564+14C>T (NM_001256849.1, LRG_785t1); c.2642+14C>T (NM_001308632.1, LRG_785t2).
Identifiers: ClinVar variation 509298 (VCV000509298.8), dbSNP rs1417996831, ClinGen allele CA658799269.

ClinVar aggregate classification (germline): Likely benign. Review status: criteria provided, multiple submitters, no conflicts (2 of 4 stars). 2 submissions from 2 submitters: Likely benign (2). Last evaluated 2025-09-20.

Conditions:
POLD1-related polyposis and colorectal cancer syndrome (CRCS10). Also called: Colorectal cancer 10; COLORECTAL CANCER, SUSCEPTIBILITY TO, ON CHROMOSOME 19q; Colorectal cancer, susceptibility to, 10. Identifiers: Orphanet 220460, MedGen C2675481, MONDO:0012953, OMIM 612591.

Allele frequency attached by ClinVar (database versions not stated): gnomAD exomes below 0.00001; gnomAD 0.00001; TOPMed 0.00001.

Submissions (2):

Labcorp Genetics (formerly Invitae), Labcorp
Classification: Likely benign for POLD1-related polyposis and colorectal cancer syndrome. Last evaluated: 2025-09-20. Review status: criteria provided, single submitter. Criteria: Invitae Variant Classification Sherloc (09022015). Collection method: clinical testing. Allele origin: germline.

GeneDx
Classification: Likely benign. Last evaluated: 2017-05-04. Review status: criteria provided, single submitter. Criteria: GeneDx Variant Classification (06012015). Collection method: clinical testing. Allele origin: germline. Affected: yes.
Comment: This variant is considered likely benign or benign based on one or more of the following criteria: it is a conservative change, it occurs at a poorly conserved position in the protein, it is predicted to be benign by multiple in silico algorithms, and/or has population frequency not consistent with disease.